The following is an entry in ClinVar:

ClinVar aggregate classification (germline): Uncertain significance (1 of 4 stars; one submission).

gnomAD v4.1: 1 of 1,614,190 alleles (0.000062%); no homozygotes.

Submission:

Labcorp Genetics (formerly Invitae), Labcorp
Classification: Uncertain significance. Last evaluated: 2024-05-23. Review status: criteria provided, single submitter. Criteria: Invitae Variant Classification Sherloc (09022015). Collection method: clinical testing. Allele origin: germline.
Comment: This sequence change replaces aspartic acid, which is acidic and polar, with asparagine, which is neutral and polar, at codon 203 of the COL9A2 protein (p.Asp203Asn). This variant is not present in population databases (gnomAD no frequency). This variant has not been reported in the literature in individuals affected with COL9A2-related conditions. Advanced modeling of protein sequence and biophysical properties (such as structural, functional, and spatial information, amino acid conservation, physicochemical variation, residue mobility, and thermodynamic stability) performed at Invitae indicates that this missense variant is not expected to disrupt COL9A2 protein function with a negative predictive value of 95%. In summary, the available evidence is currently insufficient to determine the role of this variant in disease. Therefore, it has been classified as a Variant of Uncertain Significance.

NM_001852.4(COL9A2):c.607G>A (p.Asp203Asn)

Gene: COL9A2 (collagen type IX alpha 2 chain; minus strand). Cytogenetic location: 1p34.2.
Variant type: single nucleotide variant.
Coding change: c.607G>A on transcript NM_001852.4 (MANE Select); coding-DNA position 607, G replaced by A.
Protein change: p.Asp203Asn; replaces aspartic acid 203 with asparagine.
Molecular consequence: missense variant.
Genome position (GRCh38, 1-based): chr1:40,311,116, C>T on the plus strand (G>A on the coding strand, the complement: COL9A2 is on the minus strand). VCF-style: chr1-40311116-C-T. GRCh37 (hg19) VCF-style: chr1-40776788-C-T.
Other names: short protein forms D203N.
Identifiers: ClinVar variation 3633539 (VCV003633539.2).